The following is an entry in ClinVar:

NM_000492.4(CFTR):c.3492dup (p.Lys1165Ter)

Genes: CFTR (CF transmembrane conductance regulator; plus strand), CFTR-AS2 (CFTR antisense RNA 2; minus strand). Cytogenetic location: 7q31.2.
Variant type: Duplication.
Coding change: c.3492dup on transcript NM_000492.4 (MANE Select); coding-DNA position 3492, one base duplicated (T; older notation c.3492dupT).
Protein change: p.Lys1165Ter; replaces lysine 1165 with a stop codon.
Molecular consequence: nonsense.
Genome position (GRCh38, 1-based): chr7:117,627,545, T duplicated; the last of 3 consecutive T bases (chr7:117,627,543-117,627,545); duplicating any one gives the same sequence. VCF-style (leftmost placement, unchanged base first): chr7-117627542-C-CT. GRCh37 (hg19) VCF-style: chr7-117267596-C-CT.
Other names: short protein forms K1165*.
Identifiers: ClinVar variation 7230 (VCV000007230.5), dbSNP rs387906379, ClinGen allele CA325610.

ClinVar aggregate classification (germline): Pathogenic. Review status: criteria provided, multiple submitters, no conflicts (2 of 4 stars). 3 submissions from 3 submitters: Pathogenic (2). 1 of the submissions does not count toward it. Last evaluated 2023-07-10.

Conditions:
Bronchiectasis with or without elevated sweat chloride 1 (BESC1). Also called: Cystic Fibrosis-Like Syndrome. Identifiers: Orphanet 60033, MedGen C2749757, MONDO:0008887, OMIM 211400.
Cystic fibrosis (CF). Also called: MUCOVISCIDOSIS. Identifiers: Orphanet 586, MedGen C0010674, MONDO:0009061, OMIM 219700. Disease mechanism: loss of function.

Submissions (3):

Labcorp Genetics (formerly Invitae), Labcorp
Classification: Pathogenic for Cystic fibrosis. Last evaluated: 2023-07-10. Review status: criteria provided, single submitter. Criteria: Invitae Variant Classification Sherloc (09022015). Collection method: clinical testing. Allele origin: germline.
Comment: This sequence change creates a premature translational stop signal (p.Lys1165*) in the CFTR gene. It is expected to result in an absent or disrupted protein product. Loss-of-function variants in CFTR are known to be pathogenic (PMID: 1695717, 7691345, 9725922). This variant is not present in population databases (gnomAD no frequency). This premature translational stop signal has been observed in individual(s) with cystic fibrosis (PMID: 10869121). ClinVar contains an entry for this variant (Variation ID: 7230). For these reasons, this variant has been classified as Pathogenic.

Baylor Genetics
Classification: Pathogenic for Bronchiectasis with or without elevated sweat chloride 1. Last evaluated: 2023-04-11. Review status: criteria provided, single submitter. Criteria: ACMG Guidelines, 2015. Collection method: clinical testing. Allele origin: unknown.

OMIM
Classification: Pathogenic for CYSTIC FIBROSIS. Last evaluated: 2000-07-17. Review status: no assertion criteria provided. Collection method: literature only. Allele origin: germline. Not counted in ClinVar's aggregate classification.

Literature cited by the submitters: PubMed 1695717 (cited by Labcorp Genetics (formerly Invitae), Labcorp); PubMed 7691345 (cited by Labcorp Genetics (formerly Invitae), Labcorp); PubMed 9725922 (cited by Labcorp Genetics (formerly Invitae), Labcorp); PubMed 10869121 (cited by Labcorp Genetics (formerly Invitae), Labcorp and OMIM).